The following is an entry in ClinVar:

NM_001012426.2(FOXP4):c.193del (p.Gln65fs)

Gene: FOXP4 (forkhead box P4; plus strand). Cytogenetic location: 6p21.1.
Variant type: Deletion.
Coding change: c.193del on transcript NM_001012426.2 (MANE Select); coding-DNA position 193, one base deleted (C; older notation c.193delC).
Protein change: p.Gln65fs; shifts the reading frame from glutamine 65.
Molecular consequence: frameshift variant.
Genome position (GRCh38, 1-based): chr6:41,565,953, C deleted; the last of 2 consecutive C bases (chr6:41,565,952-41,565,953); deleting either gives the same sequence. VCF-style (leftmost placement, unchanged base first): chr6-41565951-TC-T. GRCh37 (hg19) VCF-style: chr6-41533689-TC-T.
Other names: c.193del, p.Gln65fs (NM_001012427.2, NM_138457.3); short protein forms Q65fs.
Identifiers: ClinVar variation 623656 (VCV000623656.2), dbSNP rs1562018111, ClinGen allele CA913189755.

ClinVar aggregate classification (germline): Uncertain significance (1 of 4 stars; one submission).

Submission:

HudsonAlpha Institute for Biotechnology
Classification: Uncertain significance. Last evaluated: 2018-08-24. Review status: criteria provided, single submitter. Criteria: ACMG Guidelines, 2015. Collection method: research. Allele origin: unknown. Observed: 1 variant allele. Study: CSER-SouthSeq.
Comment: ACMG codes: PM2, PP3